The following is an entry in ClinVar:

NM_174936.4(PCSK9):c.338A>G (p.His113Arg)

Gene: PCSK9 (proprotein convertase subtilisin/kexin type 9; plus strand). Cytogenetic location: 1p32.3.
Variant type: single nucleotide variant.
Coding change: c.338A>G on transcript NM_174936.4 (MANE Select); coding-DNA position 338, A replaced by G.
Protein change: p.His113Arg; replaces histidine 113 with arginine.
Molecular consequence: missense variant. On other transcripts: 5 prime UTR variant (1), non-coding transcript variant (6), intron variant (1).
Genome position (GRCh38, 1-based): chr1:55,043,973, A>G. VCF-style: chr1-55043973-A-G. GRCh37 (hg19) VCF-style: chr1-55509646-A-G.
Other names: c.338A>G, p.His113Arg (NM_001407241.1, NM_001407243.1, NM_001407244.1 and 2 more transcripts); c.461A>G, p.His154Arg (NM_001407240.1); c.-38A>G (NM_001407246.1); c.208-2550A>G (NM_001407245.1); short protein forms H113R, H154R.
Identifiers: ClinVar variation 3070631 (VCV003070631.1), dbSNP rs1644616214, ClinGen allele CA340483763.

ClinVar aggregate classification (germline): Uncertain significance (1 of 4 stars; one submission).

Conditions:
Hypercholesterolemia, autosomal dominant, 3 (FHCL3). Also called: Familial Hypercholesterolemia, Autosomal Dominant, 3; PCSK9-Related Familial Hypercholesterolemia, Autosomal Dominant; Familial hypercholesterolemia 3. Identifiers: MedGen C1863551, MONDO:0011369, OMIM 603776.

Allele frequency attached by ClinVar (database versions not stated): gnomAD exomes below 0.00001; TOPMed below 0.00001.
gnomAD v4.1: 1 of 1,614,198 alleles (0.000062%); highest among the groups gnomAD compares: Non-Finnish European, 0.000085%; no homozygotes.

Submission:

All of Us Research Program, National Institutes of Health
Classification: Uncertain significance for Hypercholesterolemia, autosomal dominant, 3. Last evaluated: 2023-05-04. Review status: criteria provided, single submitter. Criteria: ACMG Guidelines, 2015. Collection method: clinical testing. Allele origin: germline. Inheritance: Autosomal dominant inheritance. Observed: 1 variant allele, 1 heterozygote.
Comment: This missense variant replaces histidine with arginine at codon 113 of the PCSK9 protein. Computational prediction suggests that this variant may not impact protein structure and function (internally defined REVEL score threshold <= 0.5, PMID: 27666373). To our knowledge, functional studies have not been reported for this variant. This variant has not been reported in individuals affected with PCSK9-related disorders in the literature. This variant has not been identified in the general population by the Genome Aggregation Database (gnomAD). The available evidence is insufficient to determine the role of this variant in disease conclusively. Therefore, this variant is classified as a Variant of Uncertain Significance.

This study involves interpretation of variants in research participants for the purpose of population health screening. Participant phenotype was not available at the time of variant classification. Additional details can be found in publication PMID: 35346344, PMCID: PMC8962531